The following is an entry in ClinVar:

ClinVar aggregate classification (germline): Likely benign. Review status: criteria provided, multiple submitters, no conflicts (2 of 4 stars). 2 submissions from 2 submitters: Likely benign (2). Last evaluated 2023-12-22.

Conditions:
Autosomal recessive limb-girdle muscular dystrophy type 2J (LGMDR10). Also called: MUSCULAR DYSTROPHY, LIMB-GIRDLE, AUTOSOMAL RECESSIVE 10; Limb-girdle muscular dystrophy, type 2J. Identifiers: Orphanet 140922, MedGen C1837342, MONDO:0012127, OMIM 608807.
Dilated cardiomyopathy 1G (CMD1G). Identifiers: Orphanet 154, MedGen C1858763, MONDO:0011400, OMIM 604145.

Allele frequency attached by ClinVar (database versions not stated): gnomAD exomes 0.00006; ExAC 0.00008; ESP Exome Variant Server 0.00008; gnomAD 0.00024 and 0.00026; TOPMed 0.00031; 1000 Genomes Project 0.00040; 1000 Genomes Project 30x 0.00047.
gnomAD v4.1: 68 of 1,612,542 alleles (0.0042%); highest among the groups gnomAD compares: African/African-American, 0.068%; no homozygotes.

Submissions (2):

Labcorp Genetics (formerly Invitae), Labcorp
Classification: Likely benign for Dilated cardiomyopathy 1G; Autosomal recessive limb-girdle muscular dystrophy type 2J. Last evaluated: 2023-12-22. Review status: criteria provided, single submitter. Criteria: Invitae Variant Classification Sherloc (09022015). Collection method: clinical testing. Allele origin: germline.

GeneDx
Classification: Likely benign. Last evaluated: 2018-01-31. Review status: criteria provided, single submitter. Criteria: GeneDx Variant Classification (06012015). Collection method: clinical testing. Allele origin: germline. Affected: yes.
Comment: This variant is considered likely benign or benign based on one or more of the following criteria: it is a conservative change, it occurs at a poorly conserved position in the protein, it is predicted to be benign by multiple in silico algorithms, and/or has population frequency not consistent with disease.

NM_001267550.2(TTN):c.56050+20C>T

Genes: TTN-AS1 (TTN antisense RNA 1; plus strand), TTN (titin; minus strand). Cytogenetic location: 2q31.2.
Variant type: single nucleotide variant.
Coding change: c.56050+20C>T on transcript NM_001267550.2 (MANE Select); 20 bases into the intron after coding-DNA position 56050, C replaced by T.
Molecular consequence: intron variant.
Genome position (GRCh38, 1-based): chr2:178,600,834, G>A on the plus strand (C>T on the coding strand, the complement: TTN is on the minus strand). VCF-style: chr2-178600834-G-A. GRCh37 (hg19) VCF-style: chr2-179465561-G-A.
Other names: c.51127+20C>T (NM_001256850.1); c.28855+20C>T (NM_003319.4); c.29431+20C>T (NM_133437.4); c.29230+20C>T (NM_133432.3); c.48346+20C>T (NM_133378.4).
Identifiers: ClinVar variation 515289 (VCV000515289.4), dbSNP rs372268675, ClinGen allele CA1993334.